The following is an entry in ClinVar:

ClinVar aggregate classification (germline): Uncertain significance (1 of 4 stars; one submission).

Allele frequency attached by ClinVar (database versions not stated): TOPMed below 0.00001; ExAC 0.00001.

Submission:

Labcorp Genetics (formerly Invitae), Labcorp
Classification: Uncertain significance. Last evaluated: 2025-01-20. Review status: criteria provided, single submitter. Criteria: Invitae Variant Classification Sherloc (09022015). Collection method: clinical testing. Allele origin: germline.
Comment: This sequence change replaces leucine, which is neutral and non-polar, with serine, which is neutral and polar, at codon 42 of the AIMP1 protein (p.Leu42Ser). This variant is present in population databases (rs772602828, gnomAD 0.003%). This variant has not been reported in the literature in individuals affected with AIMP1-related conditions. ClinVar contains an entry for this variant (Variation ID: 1950184). An algorithm developed to predict the effect of missense changes on protein structure and function (PolyPhen-2) suggests that this variant is likely to be disruptive. In summary, the available evidence is currently insufficient to determine the role of this variant in disease. Therefore, it has been classified as a Variant of Uncertain Significance.

NM_001142416.2(AIMP1):c.125T>C (p.Leu42Ser)

Gene: AIMP1 (aminoacyl tRNA synthetase complex interacting multifunctional protein 1; plus strand). Cytogenetic location: 4q24.
Variant type: single nucleotide variant.
Coding change: c.125T>C on transcript NM_001142416.2 (MANE Select); coding-DNA position 125, T replaced by C.
Protein change: p.Leu42Ser; replaces leucine 42 with serine.
Molecular consequence: missense variant.
Genome position (GRCh38, 1-based): chr4:106,327,466, T>C. VCF-style: chr4-106327466-T-C. GRCh37 (hg19) VCF-style: chr4-107248623-T-C.
Other names: c.125T>C, p.Leu42Ser (NM_001142415.2, NM_004757.4); short protein forms L42S.
Identifiers: ClinVar variation 1950184 (VCV001950184.3), dbSNP rs772602828, ClinGen allele CA3035635.